The following is an entry in ClinVar:

NM_001291303.3(FAT4):c.12310G>A (p.Val4104Ile)

Gene: FAT4 (FAT atypical cadherin 4; plus strand). Cytogenetic location: 4q28.1.
Variant type: single nucleotide variant.
Coding change: c.12310G>A on transcript NM_001291303.3 (MANE Select); coding-DNA position 12310, G replaced by A.
Protein change: p.Val4104Ile; replaces valine 4104 with isoleucine.
Molecular consequence: missense variant.
Genome position (GRCh38, 1-based): chr4:125,477,165, G>A. VCF-style: chr4-125477165-G-A. GRCh37 (hg19) VCF-style: chr4-126398320-G-A.
Other names: c.12310G>A, p.Val4104Ile (NM_001291285.3); c.12304G>A, p.Val4102Ile (NM_024582.6); short protein forms V4104I, V4102I.
Identifiers: ClinVar variation 1515105 (VCV001515105.6), dbSNP rs2126083675, ClinGen allele CA358130886.

ClinVar aggregate classification (germline): Uncertain significance (1 of 4 stars; one submission).

Allele frequency attached by ClinVar (database versions not stated): gnomAD exomes below 0.00001.
gnomAD v4.1: 3 of 1,361,110 alleles (0.00022%); highest among the groups gnomAD compares: Non-Finnish European, 0.00029%; no homozygotes.

Submission:

Labcorp Genetics (formerly Invitae), Labcorp
Classification: Uncertain significance. Last evaluated: 2022-07-23. Review status: criteria provided, single submitter. Criteria: Invitae Variant Classification Sherloc (09022015). Collection method: clinical testing. Allele origin: germline.
Comment: ClinVar contains an entry for this variant (Variation ID: 1515105). This variant has not been reported in the literature in individuals affected with FAT4-related conditions. This variant is not present in population databases (gnomAD no frequency). This sequence change replaces valine, which is neutral and non-polar, with isoleucine, which is neutral and non-polar, at codon 4102 of the FAT4 protein (p.Val4102Ile). Advanced modeling of protein sequence and biophysical properties (such as structural, functional, and spatial information, amino acid conservation, physicochemical variation, residue mobility, and thermodynamic stability) performed at Invitae indicates that this missense variant is not expected to disrupt FAT4 protein function. In summary, the available evidence is currently insufficient to determine the role of this variant in disease. Therefore, it has been classified as a Variant of Uncertain Significance.